The following is an entry in ClinVar:

ClinVar aggregate classification (germline): Pathogenic/Likely pathogenic. Review status: criteria provided, multiple submitters, no conflicts (2 of 4 stars). 5 submissions from 5 submitters: Pathogenic (2); Likely pathogenic (1). 2 of the submissions do not count toward it. Last evaluated 2025-09-02.

Conditions:
Rare genetic deafness. Identifiers: Orphanet 96210, MedGen C5680250.
Monogenic hearing loss.

Allele frequency attached by ClinVar (database versions not stated): gnomAD 0.00001; gnomAD exomes 0.00001; TOPMed 0.00001.
gnomAD v4.1: 14 of 1,557,572 alleles (0.0009%); highest among the groups gnomAD compares: Non-Finnish European, 0.0012%; no homozygotes.

Submissions (5):

Genetics Laboratory, Great Ormond Street Hospital NHS Foundation Trust, North Thames Genomic Laboratory Hub
Classification: Pathogenic for Monogenic hearing loss. Last evaluated: 2025-09-02. Review status: criteria provided, single submitter. Criteria: ACGS Best Practice Guidelines for Variant Classification in Rare Disease 2024 v1.2. Collection method: clinical testing. Allele origin: germline. Affected: yes.
Comment: PM2_moderate, PVS1_very-strong, PM3_moderate

Labcorp Genetics (formerly Invitae), Labcorp
Classification: Likely pathogenic. Last evaluated: 2023-06-03. Review status: criteria provided, single submitter. Criteria: Invitae Variant Classification Sherloc (09022015). Collection method: clinical testing. Allele origin: germline.
Comment: In summary, the currently available evidence indicates that the variant is pathogenic, but additional data are needed to prove that conclusively. Therefore, this variant has been classified as Likely Pathogenic. Algorithms developed to predict the effect of sequence changes on RNA splicing suggest that this variant may disrupt the consensus splice site. ClinVar contains an entry for this variant (Variation ID: 164552). Disruption of this splice site has been observed in individual(s) with clinical features of deafness (PMID: 27068579). This variant is present in population databases (rs727503316, gnomAD 0.005%). This sequence change affects a donor splice site in intron 41 of the MYO15A gene. It is expected to disrupt RNA splicing. Variants that disrupt the donor or acceptor splice site typically lead to a loss of protein function (PMID: 16199547), and loss-of-function variants in MYO15A are known to be pathogenic (PMID: 17546645).

Laboratory for Molecular Medicine, Mass General Brigham Personalized Medicine
Classification: Pathogenic for Rare genetic deafness. Last evaluated: 2013-05-21. Review status: criteria provided, single submitter. Criteria: LMM Criteria. Collection method: clinical testing. Allele origin: germline. Inheritance: Autosomal recessive inheritance. Observed: 1 variant allele.
Comment: The 7893+1G>A variant in MYO15A has not been reported in affected individuals or in large population studies. This variant occurs in the invariant region (+/- 1 /2) of the splice consensus sequence and is predicted to cause altered splicing leading to an abnormal or absent protein. Loss of function is an established dis ease mechanism for MYO15A. Therefore, this variant meets our criteria to be clas sified as pathogenic.

Clinical Genetics DNA and cytogenetics Diagnostics Lab, Erasmus MC, Erasmus Medical Center
Classification: Pathogenic. Review status: no assertion criteria provided. Collection method: clinical testing. Allele origin: germline. Affected: yes. Study: VKGL Data-share Consensus. Not counted in ClinVar's aggregate classification.

Joint Genome Diagnostic Labs from Nijmegen and Maastricht, Radboudumc and MUMC+
Classification: Pathogenic. Review status: no assertion criteria provided. Collection method: clinical testing. Allele origin: germline. Affected: yes. Study: VKGL Data-share Consensus. Not counted in ClinVar's aggregate classification.

Literature cited by the submitters: PubMed 27068579 (cited by Labcorp Genetics (formerly Invitae), Labcorp); PubMed 16199547 (cited by Labcorp Genetics (formerly Invitae), Labcorp); PubMed 17546645 (cited by Labcorp Genetics (formerly Invitae), Labcorp).

NM_016239.4(MYO15A):c.7893+1G>A

Gene: MYO15A (myosin XVA; plus strand). Cytogenetic location: 17p11.2.
Variant type: single nucleotide variant.
Coding change: c.7893+1G>A on transcript NM_016239.4 (MANE Select); the canonical splice donor site of the intron after coding-DNA position 7893, G replaced by A.
Molecular consequence: splice donor variant.
Genome position (GRCh38, 1-based): chr17:18,151,952, G>A. VCF-style: chr17-18151952-G-A. GRCh37 (hg19) VCF-style: chr17-18055266-G-A.
Identifiers: ClinVar variation 164552 (VCV000164552.16), dbSNP rs727503316, ClinGen allele CA273206.
Genomic context (GRCh38, chr17:18,151,952, plus strand): 5'-GAGGCCCTGATGATCCTGAAAGGGCAGATGACCCACCTGGCAGCTGCACCTGGCACCCAG[G>A]TGAGGGGGGAAGGTGGGGCTGAGCCCAGGTGGAACAGAAGACAAAGAGGGGCCTCAGGGA-3'